The following is an entry in ClinVar:

NM_006949.4(STXBP2):c.1259A>G (p.Glu420Gly)

Gene: STXBP2 (syntaxin binding protein 2; plus strand). Cytogenetic location: 19p13.2.
Variant type: single nucleotide variant.
Coding change: c.1259A>G on transcript NM_006949.4 (MANE Select); coding-DNA position 1259, A replaced by G.
Protein change: p.Glu420Gly; replaces glutamic acid 420 with glycine.
Molecular consequence: missense variant. On other transcripts: non-coding transcript variant (1).
Genome position (GRCh38, 1-based): chr19:7,645,209, A>G. VCF-style: chr19-7645209-A-G. GRCh37 (hg19) VCF-style: chr19-7710095-A-G.
Other names: c.1250A>G, p.Glu417Gly (NM_001127396.3); c.1292A>G, p.Glu431Gly (NM_001272034.2); c.1163A>G, p.Glu388Gly (NM_001414484.1); short protein forms E420G, E388G, E417G, E431G.
Identifiers: ClinVar variation 1944253 (VCV001944253.5), dbSNP rs2032084372, ClinGen allele CA403161304.
Genomic context (GRCh38, chr19:7,645,209, plus strand): 5'-GGAGCTCACCTGGCCGCCGCCTCCACCCTGCCCATTCCCGTCCCCCAGGTGTGAGTGAGG[A>G]GAACCTGGCCAAGCTGATCCAGCATGCCAATGTACAGGCGCACAGCAGCCTCATCCGTAA-3'
Protein context (NP_008880.2, residues 410-430): YILLRNGVSE[Glu420Gly]NLAKLIQHAN

ClinVar aggregate classification (germline): Uncertain significance (1 of 4 stars; one submission).

Conditions:
Familial hemophagocytic lymphohistiocytosis 5. Also called: STXBP2-Related Familial Hemophagocytic Lymphohistiocytosis (STXBP2-fHLH). Identifiers: Orphanet 540, MedGen C2751293, MONDO:0013135, OMIM 613101.

Allele frequency attached by ClinVar (database versions not stated): gnomAD exomes 0.00001; TOPMed 0.00001.
gnomAD v4.1: 9 of 1,564,302 alleles (0.00058%); highest among the groups gnomAD compares: Non-Finnish European, 0.00078%; no homozygotes.

Submission:

Labcorp Genetics (formerly Invitae), Labcorp
Classification: Uncertain significance for Familial hemophagocytic lymphohistiocytosis 5. Last evaluated: 2025-03-10. Review status: criteria provided, single submitter. Criteria: Invitae Variant Classification Sherloc (09022015). Collection method: clinical testing. Allele origin: germline.
Comment: This sequence change replaces glutamic acid, which is acidic and polar, with glycine, which is neutral and non-polar, at codon 420 of the STXBP2 protein (p.Glu420Gly). This variant is not present in population databases (gnomAD no frequency). This variant has not been reported in the literature in individuals affected with STXBP2-related conditions. ClinVar contains an entry for this variant (Variation ID: 1944253). Invitae Evidence Modeling of protein sequence and biophysical properties (such as structural, functional, and spatial information, amino acid conservation, physicochemical variation, residue mobility, and thermodynamic stability) has been performed for this missense variant. However, the output from this modeling did not meet the statistical confidence thresholds required to predict the impact of this variant on STXBP2 protein function. In summary, the available evidence is currently insufficient to determine the role of this variant in disease. Therefore, it has been classified as a Variant of Uncertain Significance.